The following is an entry in ClinVar:

ClinVar aggregate classification (germline): Uncertain significance (1 of 4 stars; one submission).

Submission:

Labcorp Genetics (formerly Invitae), Labcorp
Classification: Uncertain significance. Last evaluated: 2021-11-07. Review status: criteria provided, single submitter. Criteria: Invitae Variant Classification Sherloc (09022015). Collection method: clinical testing. Allele origin: germline.
Comment: In summary, the available evidence is currently insufficient to determine the role of this variant in disease. Therefore, it has been classified as a Variant of Uncertain Significance. Experimental studies and prediction algorithms are not available or were not evaluated, and the functional significance of this variant is currently unknown. ClinVar contains an entry for this variant (Variation ID: 1038154). This variant has not been reported in the literature in individuals affected with NTHL1-related conditions. This variant is not present in population databases (gnomAD no frequency). This sequence change results in a frameshift in the NTHL1 gene (p.Arg296Alafs*41). While this is not anticipated to result in nonsense mediated decay, it is expected to disrupt the last 17 amino acid(s) of the NTHL1 protein and extend the protein by 23 additional amino acid residues.

NM_002528.7(NTHL1):c.862_874del (p.Arg288fs)

Gene: NTHL1 (nth like DNA glycosylase 1; minus strand). Cytogenetic location: 16p13.3.
Variant type: Deletion.
Coding change: c.862_874del on transcript NM_002528.7 (MANE Select); coding-DNA positions 862 to 874, 13 bases deleted (CGCTGCCACGCCT).
Protein change: p.Arg288fs; shifts the reading frame from arginine 288.
Molecular consequence: frameshift variant.
Genome position (GRCh38, 1-based): chr16:2,039,965-2,039,977, AGGCGTGGCAGCG deleted on the plus strand (CGCTGCCACGCCT on the coding strand, the reverse complement: NTHL1 is on the minus strand); deleting any 13 consecutive bases within chr16:2,039,965-2,039,980 gives the same sequence; the c. name uses the placement nearest the transcript's 3' end. VCF-style (leftmost placement, unchanged base first): chr16-2039964-CAGGCGTGGCAGCG-C. GRCh37 (hg19) VCF-style: chr16-2089965-CAGGCGTGGCAGCG-C.
Other names: c.691_703del, p.Arg231fs (NM_001318193.2); c.532_544del, p.Arg178fs (NM_001318194.2); short protein forms R178fs, R231fs, R288fs.
Identifiers: ClinVar variation 1038154 (VCV001038154.6), dbSNP rs2084236715, ClinGen allele CA2202013461.
Genomic context (GRCh38, chr16:2,039,964, plus strand): 5'-CGGCCAGAGCCATGCGGCCATCAGAGACCCTGGGCGGCCGGGCAGAGGGCTTGGTTGAGG[CAGGCGTGGCAGCG>C]AGGGTGCACAGGCAGACAGGTCTGCTGGCCGAAGCCCACCAAGAGTCCATTGATCTCGTG-3'